The following is an entry in ClinVar:

NM_001162501.2(TNRC6B):c.2457A>C (p.Gln819His)

Gene: TNRC6B (trinucleotide repeat containing adaptor 6B; plus strand). Cytogenetic location: 22q13.1.
Variant type: single nucleotide variant.
Coding change: c.2457A>C on transcript NM_001162501.2 (MANE Select); coding-DNA position 2457, A replaced by C.
Protein change: p.Gln819His; replaces glutamine 819 with histidine.
Molecular consequence: missense variant. On other transcripts: intron variant (1).
Genome position (GRCh38, 1-based): chr22:40,266,687, A>C. VCF-style: chr22-40266687-A-C. GRCh37 (hg19) VCF-style: chr22-40662691-A-C.
Other names: c.2457A>C, p.Gln819His (NM_015088.3); c.566-3435A>C (NM_001024843.2); short protein forms Q819H.
Identifiers: ClinVar variation 3061589 (VCV003061589.3), dbSNP rs541441966, ClinGen allele CA10246835.
Genomic context (GRCh38, chr22:40,266,687, plus strand): 5'-TTGCAAAAGATCCCCAGCATGGAATGAGACGGGCCGACAGCCCAATTCCTGGAATAAACA[A>C]CACCAACAGCAGCAGCCCCCACAGCAGCCGCCGCCACCACAACCAGAGGCTTCTGGTTCG-3'
Protein context (NP_001155973.1, residues 809-829): TGRQPNSWNK[Gln819His]HQQQQPPQQP

ClinVar aggregate classification (germline): Uncertain significance. Review status: criteria provided, single submitter (1 of 4 stars). 2 submissions from 2 submitters: Uncertain significance (1). 1 of the submissions does not count toward it. Last evaluated 2026-08-06.

Conditions:
Global developmental delay with speech and behavioral abnormalities. Identifiers: MedGen C5543226, MONDO:0030995, OMIM 619243.
TNRC6B-related disorder. Also called: TNRC6B-related condition.

Allele frequency attached by ClinVar (database versions not stated): TOPMed 0.00007; 1000 Genomes Project 0.00020; gnomAD exomes 0.00001; ExAC 0.00002; gnomAD 0.00005; 1000 Genomes Project 30x 0.00016.

Submissions (2):

OLLIN Analises Genomicas, OLLIN
Classification: Uncertain significance for Global developmental delay with speech and behavioral abnormalities. Last evaluated: 2026-08-06. Review status: criteria provided, single submitter. Criteria: ACMG Guidelines 2015 PMID 25741868. Collection method: clinical testing. Allele origin: germline. Inheritance: Autosomal dominant inheritance.
Comment: This missense variant, located in exon 5 (of 23), has been reported in ClinVar (accession VCV003061589.2) and in gnomAD with an allele frequency of 0.0012%. However, to our knowledge, it has not been reported in the scientific literature. In silico analysis predicts that this variant has a tolerated effect. According to the currently available evidence, this variant has been classified as uncertain significance (PM2_P, BP4_M).

PreventionGenetics, part of Exact Sciences
Classification: Uncertain significance for TNRC6B-related condition. Last evaluated: 2023-11-07. Review status: no assertion criteria provided. Collection method: clinical testing. Allele origin: germline. Not counted in ClinVar's aggregate classification.
Comment: The TNRC6B c.2457A>C variant is predicted to result in the amino acid substitution p.Gln819His. To our knowledge, this variant has not been reported in the literature. This variant is reported in 0.0065% of alleles in individuals of African descent in gnomAD. At this time, the clinical significance of this variant is uncertain due to the absence of conclusive functional and genetic evidence.